The following is an entry in ClinVar:

ClinVar aggregate classification (germline): Uncertain significance (1 of 4 stars; one submission).

Conditions:
Hypoplastic left heart syndrome. Also called: Hypoplastic left ventricle; Hypoplastic left heart. Identifiers: Orphanet 2248, MedGen C0152101, MONDO:0004933, HP:0004383.

Allele frequency attached by ClinVar (database versions not stated): gnomAD exomes below 0.00001; TOPMed 0.00001.
gnomAD v4.1: 2 of 1,601,582 alleles (0.00012%); highest among the groups gnomAD compares: Non-Finnish European, 0.00017%; no homozygotes.

Submission:

Labcorp Genetics (formerly Invitae), Labcorp
Classification: Uncertain significance for Hypoplastic left heart syndrome. Last evaluated: 2022-02-01. Review status: criteria provided, single submitter. Criteria: Invitae Variant Classification Sherloc (09022015). Collection method: clinical testing. Allele origin: germline.
Comment: In summary, the available evidence is currently insufficient to determine the role of this variant in disease. Therefore, it has been classified as a Variant of Uncertain Significance. Algorithms developed to predict the effect of missense changes on protein structure and function (SIFT, PolyPhen-2, Align-GVGD) all suggest that this variant is likely to be tolerated. This variant has not been reported in the literature in individuals affected with HAND1-related conditions. This variant is present in population databases (no rsID available, gnomAD 0.002%). This sequence change replaces alanine, which is neutral and non-polar, with valine, which is neutral and non-polar, at codon 53 of the HAND1 protein (p.Ala53Val).

NM_004821.3(HAND1):c.158C>T (p.Ala53Val)

Gene: HAND1 (heart and neural crest derivatives expressed 1; minus strand). Cytogenetic location: 5q33.2.
Variant type: single nucleotide variant.
Coding change: c.158C>T on transcript NM_004821.3 (MANE Select); coding-DNA position 158, C replaced by T.
Protein change: p.Ala53Val; replaces alanine 53 with valine.
Molecular consequence: missense variant.
Genome position (GRCh38, 1-based): chr5:154,477,851, G>A on the plus strand (C>T on the coding strand, the complement: HAND1 is on the minus strand). VCF-style: chr5-154477851-G-A. GRCh37 (hg19) VCF-style: chr5-153857411-G-A.
Other names: short protein forms A53V.
Identifiers: ClinVar variation 2181456 (VCV002181456.4), dbSNP rs1251644234, ClinGen allele CA361923375.
Genomic context (GRCh38, chr5:154,477,851, plus strand): 5'-CCATAGGCGGTGGCGGCTGCAGCGGCCGCGGGCGGCGGCCCGCCCGCAGGGAAGTCCGGG[G>A]CAGCGTCAGCCGGGCTCAGCAGCCAGCTCTGGAAGTAGGGCCTTTCCTGATGACAGCGCG-3'
Protein context (NP_004812.1, residues 43-63): QSWLLSPADA[Ala53Val]PDFPAGGPPP